The following is an entry in ClinVar:

NM_003797.5(EED):c.-13G>C

Gene: EED (embryonic ectoderm development; plus strand). Cytogenetic location: 11q14.2.
Variant type: single nucleotide variant.
Coding change: c.-13G>C on transcript NM_003797.5 (MANE Select); 13 bases upstream of the start codon, G replaced by C.
Molecular consequence: 5 prime UTR variant.
Genome position (GRCh38, 1-based): chr11:86,245,217, G>C. VCF-style: chr11-86245217-G-C. GRCh37 (hg19) VCF-style: chr11-85956259-G-C.
Other names: c.-13G>C (NM_001308007.2, NM_001330334.2, NM_001440586.1 and 15 more transcripts).
Identifiers: ClinVar variation 4535047 (VCV004535047.6).

ClinVar aggregate classification (germline): Likely benign (1 of 4 stars; one submission).

gnomAD v4.1: 2 of 1,609,616 alleles (0.00012%); highest among the groups gnomAD compares: African/African-American, 0.0027%; no homozygotes.

Submission:

CeGaT Center for Human Genetics Tuebingen
Classification: Likely benign. Last evaluated: 2025-10-01. Review status: criteria provided, single submitter. Criteria: CeGaT Center For Human Genetics Tuebingen Variant Classification Criteria Version 2. Collection method: clinical testing. Allele origin: germline. Affected: yes. Observed: 1 variant allele.
Comment: EED: BP4, BP7